The following is an entry in ClinVar:

ClinVar aggregate classification (germline): Likely pathogenic (1 of 4 stars; one submission).

Conditions:
MNX1-related disorder. Also called: MNX1-related condition.

Submission:

PreventionGenetics, part of Exact Sciences
Classification: Likely pathogenic for MNX1-related condition. Last evaluated: 2025-02-21. Review status: criteria provided, single submitter. Criteria: ACMG Guidelines, 2015. Collection method: clinical testing. Allele origin: germline.
Comment: The MNX1 c.850C>T variant is predicted to result in premature protein termination (p.Gln284*). To our knowledge, this variant has not been reported in the literature or in a large population database (gnomAD), indicating this variant is rare. Nonsense variants in MNX1 are expected to be pathogenic. This variant is interpreted as likely pathogenic.

NM_005515.4(MNX1):c.850C>T (p.Gln284Ter)

Genes: MNX1 (motor neuron and pancreas homeobox 1; minus strand), MNX1-AS2 (MNX1 antisense RNA 2; plus strand). Cytogenetic location: 7q36.3.
Variant type: single nucleotide variant.
Coding change: c.850C>T on transcript NM_005515.4 (MANE Select); coding-DNA position 850, C replaced by T.
Protein change: p.Gln284Ter; replaces glutamine 284 with a stop codon.
Molecular consequence: nonsense.
Genome position (GRCh38, 1-based): chr7:157,006,481, G>A on the plus strand (C>T on the coding strand, the complement: MNX1 is on the minus strand). VCF-style: chr7-157006481-G-A. GRCh37 (hg19) VCF-style: chr7-156799175-G-A.
Other names: c.214C>T, p.Gln72Ter (NM_001165255.2); short protein forms Q72*, Q284*.
Identifiers: ClinVar variation 4998713 (VCV004998713.1).